The following is an entry in ClinVar:

ClinVar aggregate classification (germline): Likely benign (1 of 4 stars; one submission).

gnomAD v4.1: 1 of 1,613,818 alleles (0.000062%); highest among the groups gnomAD compares: Non-Finnish European, 0.000085%; no homozygotes.

Submission:

CeGaT Center for Human Genetics Tuebingen
Classification: Likely benign. Last evaluated: 2022-09-01. Review status: criteria provided, single submitter. Criteria: CeGaT Center For Human Genetics Tuebingen Variant Classification Criteria Version 2. Collection method: clinical testing. Allele origin: germline. Affected: yes. Observed: 1 variant allele.
Comment: GAD1: PM2:Supporting, BP4, BP7

NM_000817.3(GAD1):c.1476C>G (p.Ala492=)

Gene: GAD1 (glutamate decarboxylase 1; plus strand). Cytogenetic location: 2q31.1.
Variant type: single nucleotide variant.
Coding change: c.1476C>G on transcript NM_000817.3 (MANE Select); coding-DNA position 1476, C replaced by G.
Protein change: p.Ala492=; no amino-acid change (alanine 492 retained).
Molecular consequence: synonymous variant.
Genome position (GRCh38, 1-based): chr2:170,857,080, C>G. VCF-style: chr2-170857080-C-G. GRCh37 (hg19) VCF-style: chr2-171713590-C-G.
Identifiers: ClinVar variation 2651539 (VCV002651539.24), dbSNP rs2468372469, ClinGen allele CA429765962.
Genomic context (GRCh38, chr2:170,857,080, plus strand): 5'-CACAGTGGGATTTGAAAACCAGATCAACAAATGCCTGGAACTGGCTGAATACCTCTATGC[C>G]AAGATTAAAAACAGAGAAGAATTTGAGATGGTTTTCAATGGCGAGGTAGGTAATCATCAT-3'
Protein context (NP_000808.2, residues 482-502): KCLELAEYLY[Ala492=]KIKNREEFEM